The following is an entry in ClinVar:

NM_014946.4(SPAST):c.1508G>C (p.Arg503Pro)

Gene: SPAST (spastin; plus strand). Cytogenetic location: 2p22.3.
Variant type: single nucleotide variant.
Coding change: c.1508G>C on transcript NM_014946.4 (MANE Select); coding-DNA position 1508, G replaced by C.
Protein change: p.Arg503Pro; replaces arginine 503 with proline.
Molecular consequence: missense variant.
Genome position (GRCh38, 1-based): chr2:32,141,918, G>C. VCF-style: chr2-32141918-G-C. GRCh37 (hg19) VCF-style: chr2-32366987-G-C.
Other names: c.1505G>C, p.Arg502Pro (NM_001363823.2); c.1409G>C, p.Arg470Pro (NM_001363875.2); c.1412G>C, p.Arg471Pro (NM_001377959.1, NM_199436.2); short protein forms R470P, R502P, R503P, R471P.
Identifiers: ClinVar variation 4746962 (VCV004746962.1).

ClinVar aggregate classification (germline): Uncertain significance (1 of 4 stars; one submission).

Conditions:
Hereditary spastic paraplegia 4. Also called: Spastic paraplegia 4, autosomal dominant; Spastic Paraplegia 4; Familial spastic paraplegia autosomal dominant 2. Identifiers: Orphanet 100985, MedGen C1866855, MONDO:0008438, OMIM 182601.

Submission:

Labcorp Genetics (formerly Invitae), Labcorp
Classification: Uncertain significance for Hereditary spastic paraplegia 4. Last evaluated: 2026-01-12. Review status: criteria provided, single submitter. Criteria: Invitae Variant Classification Sherloc (09022015). Collection method: clinical testing. Allele origin: germline.
Comment: This sequence change replaces arginine, which is basic and polar, with proline, which is neutral and non-polar, at codon 503 of the SPAST protein (p.Arg503Pro). This variant is not present in population databases (gnomAD no frequency). This missense change has been observed in individual(s) with hereditary spastic paraplegia (PMID: 26374131). Invitae Evidence Modeling of protein sequence and biophysical properties (such as structural, functional, and spatial information, amino acid conservation, physicochemical variation, residue mobility, and thermodynamic stability) indicates that this missense variant is expected to disrupt SPAST protein function with a positive predictive value of 80%. This variant disrupts the p.Arg503 amino acid residue in SPAST. Other variant(s) that disrupt this residue have been determined to be pathogenic (PMID: 16055926, 17594340, 18701882, 20932283). This suggests that this residue is clinically significant, and that variants that disrupt this residue are likely to be disease-causing. In summary, the available evidence is currently insufficient to determine the role of this variant in disease. Therefore, it has been classified as a Variant of Uncertain Significance.

Literature cited by the submitters: PubMed 26374131; PubMed 16055926; PubMed 17594340; PubMed 18701882; PubMed 20932283.